The following is an entry in ClinVar:

ClinVar aggregate classification (germline): Uncertain significance (1 of 4 stars; one submission).

Conditions:
Cardiomyopathy (CMYO). Also called: Cardiomyopathies. Identifiers: Orphanet 167848, MedGen C0878544, MONDO:0004994, HP:0001638. Inheritance: Various modes of inheritance.

Submission:

Color Diagnostics, LLC DBA Color Health
Classification: Uncertain significance for Cardiomyopathy. Last evaluated: 2022-03-02. Review status: criteria provided, single submitter. Criteria: ACMG Guidelines, 2015. Collection method: clinical testing. Allele origin: germline.
Comment: This variant deletes 1 nucleotide in exon 58 of the RYR2 gene, creating a frameshift and premature translation stop signal. This variant is expected to result in an absent or non-functional protein product. To our knowledge, this variant has not been reported in individuals affected with cardiovascular disorders in the literature. This variant has not been identified in the general population by the Genome Aggregation Database (gnomAD). The role of loss-of-function RYR2 truncation and splice variants in autosomal dominant cardiovascular disorders is not clearly established. The available evidence is insufficient to determine the role of this variant in disease conclusively. Therefore, this variant is classified as a Variant of Uncertain Significance.

NM_001035.3(RYR2):c.8562del (p.Lys2856fs)

Gene: RYR2 (ryanodine receptor 2; plus strand). Cytogenetic location: 1q43.
Variant type: Deletion.
Coding change: c.8562del on transcript NM_001035.3 (MANE Select); coding-DNA position 8562, one base deleted (G; older notation c.8562delG).
Protein change: p.Lys2856fs; shifts the reading frame from lysine 2856.
Molecular consequence: frameshift variant.
Genome position (GRCh38, 1-based): chr1:237,667,930, G deleted. VCF-style (leftmost placement, unchanged base first): chr1-237667929-AG-A. GRCh37 (hg19) VCF-style: chr1-237831229-AG-A.
Other names: short protein forms K2856fs.
Identifiers: ClinVar variation 2774350 (VCV002774350.2), dbSNP rs2547168649, ClinGen allele CA2651207239.